The following is an entry in ClinVar:

ClinVar aggregate classification (germline): Pathogenic. Review status: reviewed by expert panel (3 of 4 stars). 23 submissions from 23 submitters: Pathogenic (1). 22 of the submissions do not count toward it. Last evaluated 2025-10-28.

Conditions:
CAPN3-related disorder. Also called: CAPN3-related condition; CAPN3-related disorders. Identifiers: MedGen CN239245.
Muscular dystrophy, limb-girdle, autosomal dominant 4. Also called: MUSCULAR DYSTROPHY, LIMB-GIRDLE, TYPE 1I; Calpain-3-related limb-girdle muscular dystrophy D4. Identifiers: Orphanet 565909, MedGen C4748295, MONDO:0029133, OMIM 618129.
Autosomal recessive limb-girdle muscular dystrophy type 2A (LGMDR1). Also called: LEYDEN-MOEBIUS MUSCULAR DYSTROPHY; MUSCULAR DYSTROPHY, PELVOFEMORAL; Muscular dystrophy, limb-girdle, type 2A, Amish; Limb-girdle muscular dystrophy, type 2A; Calpainopathy. Identifiers: Orphanet 267, MedGen C1869123, MONDO:0009675, OMIM 253600. Disease mechanism: loss of function.
Elevated circulating creatine kinase activity. Also called: Elevated creatine kinase; Elevated circulating creatine kinase concentration; Elevated serum creatine phosphokinase. Identifiers: MedGen C0241005, HP:0003236.
Paresthesia. Identifiers: MedGen C0030554, HP:0003401.
Migraine. Also called: Migraine disorder. Identifiers: MedGen C0149931, MONDO:0005277, HP:0002076.
EMG: neuropathic changes. Identifiers: MedGen C4021727, HP:0003445.
Progressive spinal muscular atrophy. Identifiers: Orphanet 454706, MedGen C4082951, MONDO:0018687, HP:0009067.
Difficulty walking. Identifiers: MedGen C0311394.
Positive Romberg sign. Identifiers: MedGen C0240914, HP:0002403.
Absent muscle fiber calpain-3. Identifiers: MedGen C4022625, HP:0030120.
Autosomal recessive limb-girdle muscular dystrophy. Identifiers: Orphanet 102015, MedGen C2931907, MONDO:0015152.

Allele frequency attached by ClinVar (database versions not stated): 1000 Genomes Project 30x 0.00031; 1000 Genomes Project 0.00040; TOPMed 0.00209; ESP Exome Variant Server 0.00269; ExAC 0.00309; gnomAD 0.00312 and 0.00320; gnomAD exomes 0.00313 and 0.00315.
gnomAD v4.1: 5,004 of 1,612,376 alleles (0.31%); highest among the groups gnomAD compares: Non-Finnish European, 0.34%; 15 homozygotes.

Submissions 1 to 5 of 23:

ClinGen Limb Girdle Muscular Dystrophy Variant Curation Expert Panel, ClinGen
Classification: Pathogenic for Autosomal recessive limb-girdle muscular dystrophy. Last evaluated: 2025-10-28. Review status: reviewed by expert panel. Criteria: ClinGen LGMD VCEP ACMG Specifications CAPN3 V1.0.0. Collection method: curation. Allele origin: germline. Inheritance: Autosomal recessive inheritance.
Comment: The NM_000070.3: c.1746-20C>G variant occurs in intron 13 of the CAPN3 gene. The filtering allele frequency for this variant is 0.006051 in gnomAD v2.1.1 European (non-Finnish) genomes (the lower threshold of the 95% CI of 172/31388), which is higher than the LGMD VCEP threshold of 0.001 for BS1; in total, three homozygous individuals are also observed. However, this variant may act as a hypomorphic allele, and the VCEP opted not to apply this code (BS1 exception). RNAseq/cDNA analysis of muscle from patients carrying one copy of the variant suggests that it results in aberrant splicing, the inclusion of various portions of intron 13, and premature truncation (PMID: 20635405, 35731190). An earlier study concluded the variant does not affect splicing (PMID: 17979987); however, later investigations showed that the aberrantly spliced transcripts are variably expressed and not always detectable even when splicing-specific PCR is used, possibly due to nonsense-mediated mRNA decay (PMID: 20635405) (PVS1_RNA_Moderate). The c.1746-20C>G variant has been detected with a second CAPN3 variant in at least 34 individuals with LGMD (PMID: 37589857, 20635405, 17979987, 17157502, 35731190), including confirmed in trans with a pathogenic variant in five cases (c.550delA p.(Thr184ArgfsTer36), 4.0 pts, PMID: 20635405, 35731190; c.643_663del p.(Ser215_Gly221del): 1.0 pt, PMID: 35731190) (PM3_Very Strong). The variant was also reported to co-segregate with autosomal recessive disease in four affected family members from three families (PP1_Moderate; PMID: 37589857, 20635405, 35731190). Several patients with the c.1746-20C>G variant and a second CAPN3 variant displayed progressive limb girdle muscle weakness or clinical suspicion of limb-girdle muscular dystrophy as well as significantly reduced or absent expression of calpain-3, which is specific for CAPN3-related LGMD (PP4_Moderate; PMID: 20635405). While two homozygous patients with a mild phenotype have been reported (PMID: 35731190), the number of apparently unaffected homozygous individuals described and present in population databases suggests this variant may show reduced penetrance in the homozygous state. In summary, this variant meets the criteria to be classified as Pathogenic for autosomal recessive limb girdle muscular dystrophy based on the ACMG/AMP criteria applied, as specified by the ClinGen LGMD VCEP (LGMD VCEP specifications version 1.0.0; 10/28/2025): PVS1_RNA_Moderate, PM3_Very Strong, PP1_Moderate, PP4_Moderate. The LGMD VCEP recommends careful correlation with patient phenotype and family history as well as consideration of the combined functional impact of both CAPN3 alleles when the c.1746-20C>G variant is detected in an individual with signs of limb girdle muscular dystrophy.

GeneDx
Classification: Uncertain significance. Last evaluated: 2026-09-20. Review status: criteria provided, single submitter. Criteria: GeneDx Variant Classification Process June 2021. Collection method: clinical testing. Allele origin: germline. Not counted in ClinVar's aggregate classification.
Comment: Published functional studies demonstrate a damaging effect on caplain-3 protein levels (PMID: 20635405); This variant is associated with the following publications: (PMID: 18055493, 28877744, 34720847, 32528171, 34405919, 34863162, 17994539, 17979987, 17157502, 16411092, 15351423, 16372320, 27447704, 27708273, 26886200, 27884173, 26301378, 28602176, 25135358, 18854869, 30028523, 30919934, 31788660, 32403337, 31127727, 35239206, 35731190, 37589857, 39678382, 16141003, 20635405, 37931111, 40452441, 40413734, 40237364, 38758368, 40834588, Stavusis2026[Abstract])

CeGaT Center for Human Genetics Tuebingen
Classification: Pathogenic. Last evaluated: 2026-08-01. Review status: criteria provided, single submitter. Criteria: CeGaT Center For Human Genetics Tuebingen Variant Classification Criteria Version 2. Collection method: clinical testing. Allele origin: germline. Affected: yes. Observed: 10 variant alleles. Not counted in ClinVar's aggregate classification.
Comment: CAPN3: PM3:Very Strong, PP1:Moderate, PM2:Supporting, PS3:Supporting

Mendelics
Classification: Pathogenic for Autosomal recessive limb-girdle muscular dystrophy type 2A. Last evaluated: 2026-03-05. Review status: criteria provided, single submitter. Criteria: ACMG Guidelines, 2015. Collection method: clinical testing. Allele origin: unknown. Not counted in ClinVar's aggregate classification.
Comment: Likely pathogenic/Pathogenic according to ACMG criteria.

PreventionGenetics, part of Exact Sciences
Classification: Likely pathogenic for CAPN3-related condition. Last evaluated: 2026-02-05. Review status: criteria provided, single submitter. Criteria: ACMG Guidelines, 2015. Collection method: clinical testing. Allele origin: germline. Not counted in ClinVar's aggregate classification.
Comment: The CAPN3 c.1746-20C>G variant is predicted to interfere with splicing. This variant has been reported with a second CAPN3 variant in over fifty individuals with a mild to moderate presentation of limb-girdle muscular dystrophy type (Nascimbeni et al. 2010. PubMed ID: 20635405; Piluso et al. 2005. PubMed ID: 16141003; Guglieri et al. 2008. PubMed ID: 17994539; Reddy et al. 2017. PubMed ID: 27708273; Supp. Table 1 Ten Dam et al. 2019. PubMed ID: 30919934; Macias et al. 2021. PubMed ID: 34720847; Supp table 2 in Tomforde. 2023. PubMed ID: 37589857; Supp. Table S1 Mroczek et al. 2022. PubMed ID: 35731190). This variant was confirmed in trans with a second pathogenic CAPN3 variant in several affected individuals and families (Nascimbeni et al. 2010. PubMed ID: 20635405; Macias et al. 2021. PubMed ID: 34720847; Siavrienė et al. 2021. PubMed ID: 34863162). This variant has been reported most commonly in combination with the c.598_612del variant (16 patients; Supp table 2 in Tomforde. 2023. PubMed ID: 37589857). Calpain protein levels assessed via Western blot analysis of muscle tissue were also reduced or absent in many patients with the c.1746-20C>G variant and an additional pathogenic variant (Macias et al. 2021. PubMed ID: 34720847; Nascimbeni et al. 2010. PubMed ID: 20635405). The c.1746-20C>G variant is located near the junction of intron 13 and exon 14 of the CAPN3 gene and has been shown to cause abnormal processing of intron 13, using alternative splice acceptor sites in mRNA studies in muscle tissue (Nascimbeni et al. 2010. PubMed ID: 20635405). An additional RNAseq analysis on muscle tissue from a patient supports that this variant results in several alternatively spliced transcripts (Figure 2, Mroczek. 2022. PubMed ID: 35731190). This variant is reported in 1.1% of alleles in individuals of European (Finnish) descent in gnomAD and has conflicting interpretations regarding is pathogenicity in ClinVar, ranging from pathogenic to benign. Although this minor allele frequency is inconsistent with disease prevalence, the c.1746-20C>G variant has recently been suggested to be a hypomorphic allele that only causes a disease phenotype in the presence of a more severe loss-of-function variant (Mroczek et al. 2022. PubMed ID: 35731190). In summary, we categorize this variant as likely pathogenic; however, the pathogenicity of this variant needs to be carefully interpreted in the context an individual’s CAPN3 genotype, clinical findings, family history and other laboratory data.

NM_000070.3(CAPN3):c.1746-20C>G

Gene: CAPN3 (calpain 3; plus strand). Cytogenetic location: 15q15.1.
Variant type: single nucleotide variant.
Coding change: c.1746-20C>G on transcript NM_000070.3 (MANE Select); 20 bases into the intron before coding-DNA position 1746, C replaced by G.
Molecular consequence: intron variant.
Genome position (GRCh38, 1-based): chr15:42,403,721, C>G. VCF-style: chr15-42403721-C-G. GRCh37 (hg19) VCF-style: chr15-42695919-C-G.
Other names: c.1746-20C>G (NM_024344.2); c.1602-20C>G (NM_173087.2); c.210-20C>G (NM_173088.2).
Identifiers: ClinVar variation 92408 (VCV000092408.79), dbSNP rs201892814, ClinGen allele CA220343.